The following is an entry in ClinVar:

NM_007294.4(BRCA1):c.3047A>G (p.Asn1016Ser)

Gene: BRCA1 (BRCA1 DNA repair associated; minus strand). Cytogenetic location: 17q21.31.
Variant type: single nucleotide variant.
Coding change: c.3047A>G on transcript NM_007294.4 (MANE Select); coding-DNA position 3047, A replaced by G.
Protein change: p.Asn1016Ser; replaces asparagine 1016 with serine.
Molecular consequence: missense variant. On other transcripts: intron variant (137).
Genome position (GRCh38, 1-based): chr17:43,092,484, T>C on the plus strand (A>G on the coding strand, the complement: BRCA1 is on the minus strand). VCF-style: chr17-43092484-T-C. GRCh37 (hg19) VCF-style: chr17-41244501-T-C.
Other names: c.785-1452A>G (NM_001407992.1, NM_001408400.1, NM_001408392.1 and 13 more transcripts); c.665-1452A>G (NM_001408440.1, NM_001408428.1, NM_001408441.1 and 12 more transcripts); c.671-1452A>G (NM_001408418.1, NM_001408423.1, NM_001408420.1 and 2 more transcripts); c.788-1452A>G (NM_001407981.1, NM_007298.4, NM_001407978.1 and 17 more transcripts); c.644-1452A>G (NM_001408462.1, NM_001408470.1, NM_001408464.1 and 3 more transcripts); c.710-1452A>G (NM_001408414.1, NM_001408411.1, NM_001408415.1 and 2 more transcripts); c.578-1452A>G (NM_001408514.1, NM_001408485.1, NM_001408483.1 and 9 more transcripts); c.662-1452A>G (NM_001408447.1, NM_001408433.1, NM_001408446.1 and 6 more transcripts); and 41 more; short protein forms N1016S, N969S, N1015S, N904S, N927S, N945S, N974S, N1013S.
Identifiers: ClinVar variation 584950 (VCV000584950.18), dbSNP rs1567793123, ClinGen allele CA10595897.

ClinVar aggregate classification (germline): Conflicting classifications of pathogenicity. Review status: criteria provided, conflicting classifications (1 of 4 stars). 8 submissions from 8 submitters: Uncertain significance (6); Likely benign (2). Last evaluated 2025-03-11.

Conditions:
Breast-ovarian cancer, familial, susceptibility to, 1 (BROVCA1). Also called: BRCA1 Hereditary Breast and Ovarian Cancer; OVARIAN CANCER, SUSCEPTIBILITY TO. Identifiers: Orphanet 145, MedGen C2676676, MONDO:0011450, OMIM 604370. Disease mechanism: loss of function.
Hereditary cancer-predisposing syndrome. Also called: Tumor predisposition; Neoplastic Syndromes, Hereditary; Hereditary Cancer Syndrome; Hereditary neoplastic syndrome. Identifiers: Orphanet 140162, MedGen C0027672, MeSH D009386, MONDO:0015356.
Hereditary breast ovarian cancer syndrome. Also called: Hereditary breast and ovarian cancer; Hereditary breast and ovarian cancer syndrome; Hereditary breast and ovarian cancer syndrome (HBOC); Breast and ovarian cancer; BRCA1- and BRCA2-Associated Hereditary Breast and Ovarian Cancer; Hereditary breast and/or ovarian cancer syndrome. Identifiers: Orphanet 145, MedGen C0677776, MeSH D061325, MONDO:0003582. Disease mechanism: loss of function.

gnomAD v4.1: 4 of 1,614,032 alleles (0.00025%); highest among the groups gnomAD compares: Non-Finnish European, 0.00034%; no homozygotes.

Submissions (8):

Ambry Genetics
Classification: Uncertain significance for Hereditary cancer-predisposing syndrome. Last evaluated: 2025-03-11. Review status: criteria provided, single submitter. Criteria: Ambry Variant Classification Scheme 2023. Collection method: clinical testing. Allele origin: germline.
Comment: The p.N1016S variant (also known as c.3047A>G), located in coding exon 9 of the BRCA1 gene, results from an A to G substitution at nucleotide position 3047. The asparagine at codon 1016 is replaced by serine, an amino acid with highly similar properties. This variant was detected once in a cohort of 1663 Brazilian breast cancer patients who underwent hereditary multigene panel testing (Guindalini RSC et al. Sci Rep, 2022 Mar;12:4190). This amino acid position is not well conserved in available vertebrate species. In addition, this alteration is predicted to be tolerated by in silico analysis. Based on the available evidence, the clinical significance of this variant remains unclear.

Molecular Diagnostics Laboratory, Catalan Institute of Oncology
Classification: Likely benign for Hereditary cancer-predisposing syndrome. Last evaluated: 2024-10-20. Review status: criteria provided, single submitter. Criteria: ClinGen BRCA1BRCA2 ACMG Specifications BRCA1 V1.0.0. Collection method: clinical testing. Allele origin: germline.
Comment: PM2_Supporting, BP1_Strong c.3047A>G, located in exon 10 (11 according BIC nomenclature) of the BRCA1 gene, is predicted to result in the substitution of Asn by Ser at codon 1016, p.(Asn1016Ser). This position is outside a (potentially) clinically important functional domain and, moreover, the SpliceAI algorithm predicts no significant impact on splicing (BP1_strong). It is not present in the population database gnomAD v2.1.1, non cancer dataset (PM2_supporting). To our knowledge, neither relevant clinical data nor well-stablished functional studies have been reported for this variant. This variant has been reported in the ClinVar database (5x uncertain significance, 1x likely benign), in the LOVD database (1x uncertain significance) and in BRCA Exchange database as not yet reviewed. Based on the currently available information, c.3047A>G is classified as a likely benign variant according to ClinGen-BRCA1 Guidelines version v1.0.0.

Labcorp Genetics (formerly Invitae), Labcorp
Classification: Uncertain significance for Hereditary breast ovarian cancer syndrome. Last evaluated: 2024-06-23. Review status: criteria provided, single submitter. Criteria: Invitae Variant Classification Sherloc (09022015). Collection method: clinical testing. Allele origin: germline.
Comment: This sequence change replaces asparagine, which is neutral and polar, with serine, which is neutral and polar, at codon 1016 of the BRCA1 protein (p.Asn1016Ser). This variant is not present in population databases (gnomAD no frequency). This variant has not been reported in the literature in individuals affected with BRCA1-related conditions. ClinVar contains an entry for this variant (Variation ID: 584950). Advanced modeling of protein sequence and biophysical properties (such as structural, functional, and spatial information, amino acid conservation, physicochemical variation, residue mobility, and thermodynamic stability) performed at Invitae indicates that this missense variant is not expected to disrupt BRCA1 protein function with a negative predictive value of 95%. In summary, the available evidence is currently insufficient to determine the role of this variant in disease. Therefore, it has been classified as a Variant of Uncertain Significance.

All of Us Research Program, National Institutes of Health
Classification: Uncertain significance for Breast-ovarian cancer, familial, susceptibility to, 1. Last evaluated: 2023-11-02. Review status: criteria provided, single submitter. Criteria: ACMG Guidelines, 2015. Collection method: clinical testing. Allele origin: germline. Inheritance: Autosomal dominant inheritance. Observed: 1 variant allele, 1 heterozygote.
Comment: This missense variant replaces asparagine with serine at codon 1016 of the BRCA1 protein. Computational prediction suggests that this variant may not impact protein structure and function (internally defined REVEL score threshold <= 0.5, PMID: 27666373). To our knowledge, functional studies have not been reported for this variant. This variant has not been reported in individuals affected with BRCA1-related disorders in the literature. This variant has not been identified in the general population by the Genome Aggregation Database (gnomAD). The available evidence is insufficient to determine the role of this variant in disease conclusively. Therefore, this variant is classified as a Variant of Uncertain Significance.

This study involves interpretation of variants in research participants for the purpose of population health screening. Participant phenotype was not available at the time of variant classification. Additional details can be found in publication PMID: 35346344, PMCID: PMC8962531

Color Diagnostics, LLC DBA Color Health
Classification: Uncertain significance for Hereditary cancer-predisposing syndrome. Last evaluated: 2023-10-19. Review status: criteria provided, single submitter. Criteria: ACMG Guidelines, 2015. Collection method: clinical testing. Allele origin: germline.
Comment: This missense variant replaces asparagine with serine at codon 1016 of the BRCA1 protein. Computational prediction suggests that this variant may not impact protein structure and function (internally defined REVEL score threshold <= 0.5, PMID: 27666373). To our knowledge, functional studies have not been reported for this variant. This variant has not been reported in individuals affected with BRCA1-related disorders in the literature. This variant has not been identified in the general population by the Genome Aggregation Database (gnomAD). The available evidence is insufficient to determine the role of this variant in disease conclusively. Therefore, this variant is classified as a Variant of Uncertain Significance.

University of Washington Department of Laboratory Medicine, University of Washington
Classification: Likely benign for Hereditary cancer-predisposing syndrome. Last evaluated: 2023-03-23. Review status: criteria provided, single submitter. Criteria: Dines et al. (Genet Med. 2020). Collection method: curation. Allele origin: germline.
Comment: Missense variant in a coldspot region where missense variants are very unlikely to be pathogenic (PMID:31911673).

BRCA1 coldspot (exon 11 using historical exon numbering). Reclassification based on statistical prior probability

Sema4
Classification: Uncertain significance for Hereditary cancer-predisposing syndrome. Last evaluated: 2021-12-17. Review status: criteria provided, single submitter. Criteria: Sema4 Curation Guidelines. Collection method: curation. Allele origin: germline.
Comment: To the best of our knowledge, the BRCA1 c.3047A>G (p.N1016S) variant has not been reported in individuals with BRCA1-related disease. It was not observed in the large and broad cohorts of the Genome Aggregation Database (PMID: 32461654). The variant has been reported in ClinVar (Variation ID: 584950). Functional studies have not been performed, and in silico predictions of the variant's effect on protein function are inconclusive. The evidence is insufficient to meet ACMG/AMP criteria for classifying the variant as benign or pathogenic. Thus, the clinical significance of this variant is currently uncertain.

Mendelics
Classification: Uncertain significance for Breast-ovarian cancer, familial, susceptibility to, 1. Last evaluated: 2019-05-28. Review status: criteria provided, single submitter. Criteria: Mendelics Assertion Criteria 2017. Collection method: clinical testing. Allele origin: unknown.

Literature cited by the submitters: PubMed 35264596 (cited by Ambry Genetics).